The following is an entry in ClinVar:

NM_012463.4(ATP6V0A2):c.1776_1777dup (p.Phe593fs)

Genes: ATP6V0A2 (ATPase H+ transporting V0 subunit a2; plus strand), LOC126861666 (CDK7 strongly-dependent group 2 enhancer GRCh37_chr12:124232793-124233992; plus strand). Cytogenetic location: 12q24.31.
Variant type: Microsatellite.
Coding change: c.1776_1777dup on transcript NM_012463.4 (MANE Select); coding-DNA positions 1776 to 1777, 2 bases duplicated (CT; older notation c.1776_1777dupCT).
Protein change: p.Phe593fs; shifts the reading frame from phenylalanine 593.
Molecular consequence: frameshift variant.
Genome position (GRCh38, 1-based): chr12:123,748,626-123,748,627, CT duplicated; duplicating any 2 consecutive bases within chr12:123,748,623-123,748,627 gives the same sequence; the c. name uses the placement nearest the transcript's 3' end. VCF-style (leftmost placement, unchanged base first): chr12-123748622-T-TTC. GRCh37 (hg19) VCF-style: chr12-124233169-T-TTC.
Other names: short protein forms F593fs.
Identifiers: ClinVar variation 3775300 (VCV003775300.1).

ClinVar aggregate classification (germline): Pathogenic (1 of 4 stars; one submission).

Conditions:
Cutis laxa with osteodystrophy (ARCL2A). Also called: Debré-Type Cutis Laxa; CUTIS LAXA WITH CONGENITAL DISORDER OF GLYCOSYLATION; CUTIS LAXA, AUTOSOMAL RECESSIVE, TYPE IIA; CUTIS LAXA WITH BONE DYSTROPHY; CUTIS LAXA WITH GROWTH AND DEVELOPMENTAL DELAY; CUTIS LAXA WITH JOINT LAXITY AND RETARDED DEVELOPMENT. Identifiers: Orphanet 357058, MedGen C0268355, MONDO:0018163, OMIM 219200. Disease mechanism: loss of function.

Submission:

3billion
Classification: Pathogenic for Cutis laxa with osteodystrophy. Last evaluated: 2023-09-03. Review status: criteria provided, single submitter. Criteria: ACMG Guidelines, 2015. Collection method: clinical testing. Allele origin: germline. Affected: yes.
Comment: The variant is not observed in the gnomAD v2.1.1 dataset. Predicted Consequence/Location: Frameshift: predicted to result in a loss or disruption of normal protein function through nonsense-mediated decay (NMD) or protein truncation. Multiple pathogenic variants are reported downstream of the variant. Therefore, this variant is classified as Pathogenic according to the recommendation of ACMG/AMP guideline.